The following is an entry in ClinVar:

NM_138443.4(HAUS1):c.168G>T (p.Glu56Asp)

Gene: HAUS1 (HAUS augmin like complex subunit 1; plus strand). Cytogenetic location: 18q21.1.
Variant type: single nucleotide variant.
Coding change: c.168G>T on transcript NM_138443.4 (MANE Select); coding-DNA position 168, G replaced by T.
Protein change: p.Glu56Asp; replaces glutamic acid 56 with aspartic acid.
Molecular consequence: missense variant. On other transcripts: non-coding transcript variant (1).
Genome position (GRCh38, 1-based): chr18:46,105,331, G>T. VCF-style: chr18-46105331-G-T. GRCh37 (hg19) VCF-style: chr18-43685297-G-T.
Other names: short protein forms E56D.
Identifiers: ClinVar variation 3357806 (VCV003357806.1).
Genomic context (GRCh38, chr18:46,105,331, plus strand): 5'-TTTACATCACCTTTCAGAACGCAACAGGGTCCGGGACAGGGATGTCTACCTGGTAATAGA[G>T]GACTTGAAGCAGAAAGCAAGTGAATACGAGTCAGAAGGTGAGATTAAGTCCAGAGTTTTG-3'
Protein context (NP_612452.1, residues 46-66): VRDRDVYLVI[Glu56Asp]DLKQKASEYE

ClinVar aggregate classification (germline): Uncertain significance (0 of 4 stars; one submission).

Conditions:
HAUS1-related condition.

Submission:

PreventionGenetics, part of Exact Sciences
Classification: Uncertain significance for HAUS1-related condition. Last evaluated: 2024-06-26. Review status: no assertion criteria provided. Collection method: clinical testing. Allele origin: germline.
Comment: The HAUS1 c.168G>T variant is predicted to result in the amino acid substitution p.Glu56Asp. To our knowledge, this variant has not been reported in the literature or in gnomAD, indicating this variant is rare. At this time, the clinical significance of this variant is uncertain due to the absence of conclusive functional and genetic evidence.